The following is an entry in ClinVar:

ClinVar aggregate classification (germline): Conflicting classifications of pathogenicity. Review status: criteria provided, conflicting classifications (1 of 4 stars). 2 submissions from 2 submitters: Uncertain significance (1); Likely benign (1). Last evaluated 2023-07-05.

Conditions:
Intellectual disability, autosomal recessive 53 (NEDHSCA). Also called: GLYCOSYLPHOSPHATIDYLINOSITOL BIOSYNTHESIS DEFECT 13; Mental retardation, autosomal recessive 53; NEURODEVELOPMENTAL DISORDER WITH OR WITHOUT HYPOTONIA, SEIZURES, AND CEREBELLAR ATROPHY. Identifiers: Orphanet 488635, MedGen C4310794, MONDO:0014832, OMIM 616917.
Inborn genetic diseases. Identifiers: MedGen C0950123, MeSH D030342.

Allele frequency attached by ClinVar (database versions not stated): ExAC 0.00001; gnomAD 0.00001; TOPMed 0.00002.
gnomAD v4.1: 18 of 1,614,086 alleles (0.0011%); highest among the groups gnomAD compares: Non-Finnish European, 0.0015%; no homozygotes.

Submissions (2):

Ambry Genetics
Classification: Likely benign for Inborn genetic diseases. Last evaluated: 2023-07-05. Review status: criteria provided, single submitter. Criteria: Ambry Variant Classification Scheme 2023. Collection method: clinical testing. Allele origin: germline.

Labcorp Genetics (formerly Invitae), Labcorp
Classification: Uncertain significance for Intellectual disability, autosomal recessive 53. Last evaluated: 2022-01-17. Review status: criteria provided, single submitter. Criteria: Invitae Variant Classification Sherloc (09022015). Collection method: clinical testing. Allele origin: germline.
Comment: This sequence change replaces glutamine, which is neutral and polar, with histidine, which is basic and polar, at codon 591 of the PIGG protein (p.Gln591His). This variant is present in population databases (rs549380649, gnomAD 0.004%). This variant has not been reported in the literature in individuals affected with PIGG-related conditions. Algorithms developed to predict the effect of missense changes on protein structure and function output the following: SIFT: "Tolerated"; PolyPhen-2: "Benign"; Align-GVGD: "Class C0". The histidine amino acid residue is found in multiple mammalian species, which suggests that this missense change does not adversely affect protein function. In summary, the available evidence is currently insufficient to determine the role of this variant in disease. Therefore, it has been classified as a Variant of Uncertain Significance.

NM_001127178.3(PIGG):c.1773A>C (p.Gln591His)

Gene: PIGG (phosphatidylinositol glycan anchor biosynthesis class G (EMM blood group); plus strand). Cytogenetic location: 4p16.3.
Variant type: single nucleotide variant.
Coding change: c.1773A>C on transcript NM_001127178.3 (MANE Select); coding-DNA position 1773, A replaced by C.
Protein change: p.Gln591His; replaces glutamine 591 with histidine.
Molecular consequence: missense variant. On other transcripts: non-coding transcript variant (7).
Genome position (GRCh38, 1-based): chr4:523,617, A>C. VCF-style: chr4-523617-A-C. GRCh37 (hg19) VCF-style: chr4-517406-A-C.
Other names: c.1506A>C, p.Gln502His (NM_001289051.2, NM_001345986.2); c.1374A>C, p.Gln458His (NM_001289052.2); c.1482A>C, p.Gln494His (NM_001345987.2); c.744A>C, p.Gln248His (NM_001345988.2); c.240A>C, p.Gln80His (NM_001345990.2, NM_001345991.2); c.675A>C, p.Gln225His (NM_001345994.2); c.1749A>C, p.Gln583His (NM_017733.5); c.1773A>C (NM_001127178.1); short protein forms Q248H, Q583H, Q494H, Q502H, Q225H, Q80H, Q458H, Q591H.
Identifiers: ClinVar variation 1947891 (VCV001947891.4), dbSNP rs549380649, ClinGen allele CA2793449.